The following is an entry in ClinVar:

NM_000051.4(ATM):c.6119C>T (p.Ala2040Val)

Genes: ATM (ATM serine/threonine kinase; plus strand), C11orf65 (chromosome 11 open reading frame 65; minus strand). Cytogenetic location: 11q22.3.
Variant type: single nucleotide variant.
Coding change: c.6119C>T on transcript NM_000051.4 (MANE Select); coding-DNA position 6119, C replaced by T.
Protein change: p.Ala2040Val; replaces alanine 2040 with valine.
Molecular consequence: missense variant. On other transcripts: intron variant (2).
Genome position (GRCh38, 1-based): chr11:108,316,034, C>T. VCF-style: chr11-108316034-C-T. GRCh37 (hg19) VCF-style: chr11-108186761-C-T.
Other names: c.6119C>T, p.Ala2040Val (NM_001351834.2); c.641-6963G>A (NM_001330368.2); c.*39-6963G>A (NM_001351110.2); short protein forms A2040V.
Identifiers: ClinVar variation 453613 (VCV000453613.18), dbSNP rs1299506506, ClinGen allele CA382550412.
Genomic context (GRCh38, chr11:108,316,034, plus strand): 5'-TAAAACCCAAAGCTATTTTCACAATCTTTTCTTATAGACTACGAACATATGAACACGAAG[C>T]AATGTGGGGCAAAGCCCTAGTAACATATGACCTCGAAACAGCAATCCCCTCATCAACACG-3'
Protein context (NP_000042.3, residues 2030-2050): ITRLRTYEHE[Ala2040Val]MWGKALVTYD

ClinVar aggregate classification (germline): Uncertain significance. Review status: criteria provided, multiple submitters, no conflicts (2 of 4 stars). 5 submissions from 5 submitters: Uncertain significance (5). Last evaluated 2025-12-22.

Conditions:
Hereditary cancer-predisposing syndrome. Also called: Neoplastic Syndromes, Hereditary; Hereditary Cancer Syndrome; Tumor predisposition; Hereditary neoplastic syndrome. Identifiers: Orphanet 140162, MedGen C0027672, MeSH D009386, MONDO:0015356.
Ataxia-telangiectasia syndrome (AT). Also called: LOUIS-BAR SYNDROME; Cerebello-oculocutaneous telangiectasia; Immunodeficiency with ataxia telangiectasia; Ataxia-telangiectasia, complementation group D; AT, COMPLEMENTATION GROUP C; Ataxia-telangiectasia, complementation group E. Identifiers: Orphanet 100, MedGen C0004135, MONDO:0008840, OMIM 208900.

Allele frequency attached by ClinVar (database versions not stated): gnomAD exomes below 0.00001.
gnomAD v4.1: 2 of 1,614,098 alleles (0.00012%); highest among the groups gnomAD compares: Non-Finnish European, 0.000085%; no homozygotes.

Submissions (5):

Ambry Genetics
Classification: Uncertain significance for Hereditary cancer-predisposing syndrome. Last evaluated: 2025-12-22. Review status: criteria provided, single submitter. Criteria: Ambry Variant Classification Scheme 2023. Collection method: clinical testing. Allele origin: germline.
Comment: The p.A2040V variant (also known as c.6119C>T), located in coding exon 41 of the ATM gene, results from a C to T substitution at nucleotide position 6119. The alanine at codon 2040 is replaced by valine, an amino acid with similar properties. In an assay testing ATM function, this variant showed a functionally abnormal result (Lee KS et al. Cell, 2025 Sep;188:5081-5099.e27). This amino acid position is highly conserved in available vertebrate species. In addition, the in silico prediction for this alteration is inconclusive. Based on the available evidence, the clinical significance of this variant remains unclear.

Quest Diagnostics Nichols Institute San Juan Capistrano
Classification: Uncertain significance. Last evaluated: 2024-07-30. Review status: criteria provided, single submitter. Criteria: Quest Diagnostics criteria. Collection method: clinical testing. Allele origin: unknown.

Labcorp Genetics (formerly Invitae), Labcorp
Classification: Uncertain significance for Ataxia-telangiectasia syndrome. Last evaluated: 2021-03-26. Review status: criteria provided, single submitter. Criteria: Invitae Variant Classification Sherloc (09022015). Collection method: clinical testing. Allele origin: germline.
Comment: In summary, the available evidence is currently insufficient to determine the role of this variant in disease. Therefore, it has been classified as a Variant of Uncertain Significance. Algorithms developed to predict the effect of sequence changes on RNA splicing suggest that this variant may create or strengthen a splice site, but this prediction has not been confirmed by published transcriptional studies. Advanced modeling of protein sequence and biophysical properties (such as structural, functional, and spatial information, amino acid conservation, physicochemical variation, residue mobility, and thermodynamic stability) performed at Invitae indicates that this missense variant is not expected to disrupt ATM protein function. This variant has not been reported in the literature in individuals with ATM-related conditions. ClinVar contains an entry for this variant (Variation ID: 453613). This variant is not present in population databases (ExAC no frequency). This sequence change replaces alanine with valine at codon 2040 of the ATM protein (p.Ala2040Val). The alanine residue is moderately conserved and there is a small physicochemical difference between alanine and valine.

Women's Health and Genetics/Laboratory Corporation of America, LabCorp
Classification: Uncertain significance. Last evaluated: 2019-10-03. Review status: criteria provided, single submitter. Criteria: LabCorp Variant Classification Summary - May 2015. Collection method: clinical testing. Allele origin: germline.
Comment: Variant summary: ATM c.6119C>T (p.Ala2040Val) results in a non-conservative amino acid change located in the PIK-related kinase domain of the encoded protein sequence. Three of five in-silico tools predict a benign effect of the variant on protein function. The variant allele was found at a frequency of 7.9e-06 in 253782 control chromosomes (gnomAD and Girard_2019). The available data on variant occurrences in the general population are insufficient to allow any conclusion about variant significance. To our knowledge, no occurrence of c.6119C>T in individuals affected with Breast Cancer and no experimental evidence demonstrating its impact on protein function have been reported. Two ClinVar submissions (evaluation after 2014) cites the variant as uncertain significance. Based on the evidence outlined above, the variant was classified as uncertain significance.

Color Diagnostics, LLC DBA Color Health
Classification: Uncertain significance for Hereditary cancer-predisposing syndrome. Last evaluated: 2019-05-08. Review status: criteria provided, single submitter. Criteria: ACMG Guidelines, 2015. Collection method: clinical testing. Allele origin: germline.

Literature cited by the submitters: PubMed 40580951 (cited by Ambry Genetics); PubMed 30303537 (cited by Quest Diagnostics Nichols Institute San Juan Capistrano and Women's Health and Genetics/Laboratory Corporation of America, LabCorp).